The following is an entry in ClinVar:

NM_013275.6(ANKRD11):c.2082_2086del (p.Phe694fs)

Gene: ANKRD11 (ankyrin repeat domain 11; minus strand). Cytogenetic location: 16q24.3.
Variant type: Deletion.
Coding change: c.2082_2086del on transcript NM_013275.6 (MANE Select); coding-DNA positions 2082 to 2086, 5 bases deleted (TAAAA; older notation c.2082_2086delTAAAA).
Protein change: p.Phe694fs; shifts the reading frame from phenylalanine 694.
Molecular consequence: frameshift variant.
Genome position (GRCh38, 1-based): chr16:89,284,456-89,284,460, TTTTA deleted on the plus strand (TAAAA on the coding strand, the reverse complement: ANKRD11 is on the minus strand). VCF-style (leftmost placement, unchanged base first): chr16-89284455-TTTTTA-T. GRCh37 (hg19) VCF-style: chr16-89350863-TTTTTA-T.
Other names: c.2082_2086del, p.Phe694fs (NM_001256182.2, NM_001256183.2); short protein forms F694fs.
Identifiers: ClinVar variation 4999565 (VCV004999565.1).

ClinVar aggregate classification (germline): Likely pathogenic (1 of 4 stars; one submission).

Conditions:
ANKRD11-related disorder. Also called: ANKRD11-related condition.

Submission:

PreventionGenetics, part of Exact Sciences
Classification: Likely pathogenic for ANKRD11-related condition. Last evaluated: 2024-10-18. Review status: criteria provided, single submitter. Criteria: ACMG Guidelines, 2015. Collection method: clinical testing. Allele origin: germline.
Comment: The ANKRD11 c.2082_2086del5 variant is predicted to result in a frameshift and premature protein termination (p.Phe694Leufs*6). To our knowledge, this variant has not been reported in the literature or in a large population database (gnomAD), indicating this variant is rare. Frameshift variants in ANKRD11 are expected to be pathogenic. This variant is interpreted as likely pathogenic.